The following is an entry in ClinVar:

ClinVar aggregate classification (germline): Conflicting classifications of pathogenicity. Review status: criteria provided, conflicting classifications (1 of 4 stars). 4 submissions from 4 submitters: Likely pathogenic (1); Uncertain significance (2). 1 of the submissions does not count toward it. Last evaluated 2023-10-11.

Conditions:
Polycystic kidney disease 4 (PKD4). Also called: POLYCYSTIC KIDNEY DISEASE 4 WITH OR WITHOUT POLYCYSTIC LIVER DISEASE; POLYCYSTIC KIDNEY AND HEPATIC DISEASE 1; POLYCYSTIC KIDNEY DISEASE, INFANTILE, TYPE I; PKD3; Autosomal Recessive Polycystic Kidney Disease – PKHD1. Identifiers: MedGen C4540575, MONDO:0033004, OMIM 263200.
Autosomal recessive polycystic kidney disease (ARPKD). Also called: AR polycystic kidney disease. Identifiers: Orphanet 731, Orphanet 8378, MedGen C0085548, MeSH D017044, MONDO:0009889.

Allele frequency attached by ClinVar (database versions not stated): gnomAD exomes below 0.00001.
gnomAD v4.1: 6 of 1,614,108 alleles (0.00037%); highest among the groups gnomAD compares: Admixed American, 0.0017%; no homozygotes.

Submissions (4):

Women's Health and Genetics/Laboratory Corporation of America, LabCorp
Classification: Uncertain significance. Last evaluated: 2023-10-11. Review status: criteria provided, single submitter. Criteria: LabCorp Variant Classification Summary - May 2015. Collection method: clinical testing. Allele origin: germline.
Comment: Variant summary: PKHD1 c.5521G>A (p.Glu1841Lys) results in a conservative amino acid change in the encoded protein sequence. Five of five in-silico tools predict a benign effect of the variant on protein function. The variant allele was found at a frequency of 4e-06 in 251228 control chromosomes (gnomAD). The available data on variant occurrences in the general population are insufficient to allow any conclusion about variant significance. c.5521G>A has been reported in the literature in a family with three siblings affected with spectrum of Caroli disease, Congenital hepatic fibrosis, Von Meyenburg complexes and authors reported this variant as a hypomorphic variant (example: Courcet_2015). This report does not provide unequivocal conclusions about association of the variant with Polycystic Kidney And Hepatic Disease. To our knowledge, no experimental evidence demonstrating an impact on protein function has been reported. The following publication has been ascertained in the context of this evaluation (PMID: 26385851). One submitter has cited clinical-significance assessments for this variant to ClinVar after 2014 and has classified the variant as uncertain significance. Based on the evidence outlined above, the variant was classified as uncertain significance.

Labcorp Genetics (formerly Invitae), Labcorp
Classification: Uncertain significance for Autosomal recessive polycystic kidney disease. Last evaluated: 2023-07-29. Review status: criteria provided, single submitter. Criteria: Invitae Variant Classification Sherloc (09022015). Collection method: clinical testing. Allele origin: germline.
Comment: Advanced modeling of protein sequence and biophysical properties (such as structural, functional, and spatial information, amino acid conservation, physicochemical variation, residue mobility, and thermodynamic stability) performed at Invitae indicates that this missense variant is not expected to disrupt PKHD1 protein function. In summary, the available evidence is currently insufficient to determine the role of this variant in disease. Therefore, it has been classified as a Variant of Uncertain Significance. ClinVar contains an entry for this variant (Variation ID: 551774). This missense change has been observed in individual(s) with PKHD1-related conditions (PMID: 26385851). In at least one individual the data is consistent with being in trans (on the opposite chromosome) from a pathogenic variant. It has also been observed to segregate with disease in related individuals. This variant is present in population databases (no rsID available, gnomAD 0.003%). This sequence change replaces glutamic acid, which is acidic and polar, with lysine, which is basic and polar, at codon 1841 of the PKHD1 protein (p.Glu1841Lys).

Equipe Genetique des Anomalies du Developpement, Université de Bourgogne
Classification: Likely pathogenic for Polycystic kidney disease 4. Review status: criteria provided, single submitter. Criteria: ACMG Guidelines, 2007. Collection method: clinical testing. Allele origin: inherited. Affected: yes.

Counsyl
Classification: Uncertain significance for Polycystic kidney disease 4. Last evaluated: 2017-05-15. Review status: no assertion criteria provided. Collection method: clinical testing. Allele origin: unknown. Not counted in ClinVar's aggregate classification.

Literature cited by the submitters: PubMed 26385851 (cited by 3 submitters).

NM_138694.4(PKHD1):c.5521G>A (p.Glu1841Lys)

Gene: PKHD1 (PKHD1 ciliary IPT domain containing fibrocystin/polyductin; minus strand). Cytogenetic location: 6p12.2.
Variant type: single nucleotide variant.
Coding change: c.5521G>A on transcript NM_138694.4 (MANE Select); coding-DNA position 5521, G replaced by A.
Protein change: p.Glu1841Lys; replaces glutamic acid 1841 with lysine.
Molecular consequence: missense variant.
Genome position (GRCh38, 1-based): chr6:52,017,489, C>T on the plus strand (G>A on the coding strand, the complement: PKHD1 is on the minus strand). VCF-style: chr6-52017489-C-T. GRCh37 (hg19) VCF-style: chr6-51882287-C-T.
Other names: c.5521G>A, p.Glu1841Lys (NM_170724.3); short protein forms E1841K.
Identifiers: ClinVar variation 551774 (VCV000551774.8), dbSNP rs913487671, ClinGen allele CA138936187.